The following is an entry in ClinVar:

NM_006941.4(SOX10):c.1377A>G (p.Val459=)

Genes: POLR2F (RNA polymerase II, I and III subunit F; plus strand), SOX10 (SRY-box transcription factor 10; minus strand). Cytogenetic location: 22q13.1.
Variant type: single nucleotide variant.
Coding change: c.1377A>G on transcript NM_006941.4 (MANE Select); coding-DNA position 1377, A replaced by G.
Protein change: p.Val459=; no amino-acid change (valine 459 retained).
Molecular consequence: synonymous variant. On other transcripts: intron variant (3).
Genome position (GRCh38, 1-based): chr22:37,973,519, T>C on the plus strand (A>G on the coding strand, the complement: SOX10 is on the minus strand). VCF-style: chr22-37973519-T-C. GRCh37 (hg19) VCF-style: chr22-38369526-T-C.
Other names: c.*38+1209T>C (NM_001363825.1); c.293+6349T>C (NM_001301130.2, NM_001301131.2).
Identifiers: ClinVar variation 3042538 (VCV003042538.2), dbSNP rs1302550669, ClinGen allele CA514528565.

ClinVar aggregate classification (germline): Likely benign (0 of 4 stars; one submission).

Conditions:
SOX10-related disorder. Also called: SOX10-related condition.

Allele frequency attached by ClinVar (database versions not stated): gnomAD 0.00001; gnomAD exomes 0.00001.
gnomAD v4.1: 19 of 1,608,860 alleles (0.0012%); highest among the groups gnomAD compares: Non-Finnish European, 0.0015%; no homozygotes.

Submission:

PreventionGenetics, part of Exact Sciences
Classification: Likely benign for SOX10-related condition. Last evaluated: 2019-06-21. Review status: no assertion criteria provided. Collection method: clinical testing. Allele origin: germline.
Comment: This variant is classified as likely benign based on ACMG/AMP sequence variant interpretation guidelines (Richards et al. 2015 PMID: 25741868, with internal and published modifications).